The following is an entry in ClinVar:

NM_005343.4(HRAS):c.446G>A (p.Arg149Gln)

Genes: HRAS (HRas proto-oncogene, GTPase; minus strand), LRRC56 (leucine rich repeat containing 56; plus strand). Cytogenetic location: 11p15.5.
Variant type: single nucleotide variant.
Coding change: c.446G>A on transcript NM_005343.4 (MANE Select); coding-DNA position 446, G replaced by A.
Protein change: p.Arg149Gln; replaces arginine 149 with glutamine.
Molecular consequence: missense variant.
Genome position (GRCh38, 1-based): chr11:533,457, C>T on the plus strand (G>A on the coding strand, the complement: HRAS is on the minus strand). VCF-style: chr11-533457-C-T. GRCh37 (hg19) VCF-style: chr11-533457-C-T.
Other names: c.446G>A (NM_005343.3); c.446G>A, p.Arg149Gln (NM_001130442.3, NM_176795.5); c.127G>A, p.Gly43Ser (NM_001318054.2); short protein forms R149Q, G43S.
Identifiers: ClinVar variation 2037387 (VCV002037387.5), dbSNP rs2133986147, ClinGen allele CA378922726.
Genomic context (GRCh38, chr11:533,457, plus strand): 5'-GCTGGGGCGGGGCGGGGCGGGTCCCTGGCTAGCTGTGGGGTGGAGAGCTGCCTCACCTGC[C>T]GGGTCTTGGCCGAGGTCTCGATGTAGGGGATGCCGTAGCTTCGGGCGAGGTCCTGAGCCT-3'
Protein context (NP_005334.1, residues 139-159): IPYIETSAKT[Arg149Gln]QGVEDAFYTL

ClinVar aggregate classification (germline): Uncertain significance. Review status: criteria provided, multiple submitters, no conflicts (2 of 4 stars). 2 submissions from 2 submitters: Uncertain significance (2). Last evaluated 2023-01-26.

Conditions:
Costello syndrome (CSTLO). Also called: HRAS-Related Costello Syndrome; FACIOCUTANEOSKELETAL SYNDROME; FCS SYNDROME. Identifiers: Orphanet 3071, MedGen C0587248, MONDO:0009026, OMIM 218040.
HRAS-related disorder. Also called: HRAS-related condition.

Allele frequency attached by ClinVar (database versions not stated): gnomAD exomes below 0.00001.
gnomAD v4.1: 3 of 1,613,188 alleles (0.00019%); highest among the groups gnomAD compares: Non-Finnish European, 0.00025%; no homozygotes.

Submissions (2):

PreventionGenetics, part of Exact Sciences
Classification: Uncertain significance for HRAS-related condition. Last evaluated: 2023-01-26. Review status: criteria provided, single submitter. Criteria: ACMG Guidelines, 2015. Collection method: clinical testing. Allele origin: germline.
Comment: The HRAS c.446G>A variant is predicted to result in the amino acid substitution p.Arg149Gln. To our knowledge, this variant has not been reported in the literature or in a large population database, indicating this variant is rare. At this time, the clinical significance of this variant is uncertain due to the absence of conclusive functional and genetic evidence.

Labcorp Genetics (formerly Invitae), Labcorp
Classification: Uncertain significance for Costello syndrome. Last evaluated: 2022-06-11. Review status: criteria provided, single submitter. Criteria: Invitae Variant Classification Sherloc (09022015). Collection method: clinical testing. Allele origin: germline.
Comment: In summary, the available evidence is currently insufficient to determine the role of this variant in disease. Therefore, it has been classified as a Variant of Uncertain Significance. Advanced modeling of protein sequence and biophysical properties (such as structural, functional, and spatial information, amino acid conservation, physicochemical variation, residue mobility, and thermodynamic stability) performed at Invitae indicates that this missense variant is not expected to disrupt HRAS protein function. This variant has not been reported in the literature in individuals affected with HRAS-related conditions. This variant is not present in population databases (gnomAD no frequency). This sequence change replaces arginine, which is basic and polar, with glutamine, which is neutral and polar, at codon 149 of the HRAS protein (p.Arg149Gln).